The following is an entry in ClinVar:

ClinVar aggregate classification (germline): Uncertain significance (1 of 4 stars; one submission).

Submission:

Labcorp Genetics (formerly Invitae), Labcorp
Classification: Uncertain significance. Last evaluated: 2026-01-08. Review status: criteria provided, single submitter. Criteria: Invitae Variant Classification Sherloc (09022015). Collection method: clinical testing. Allele origin: germline.
Comment: This variant, c.24_35del, results in the deletion of 4 amino acid(s) of the RERE protein (p.Asp8_Lys11del), but otherwise preserves the integrity of the reading frame. The frequency data for this variant in the population databases is considered unreliable, as metrics indicate poor data quality at this position in the gnomAD database. This variant has not been reported in the literature in individuals affected with RERE-related conditions. Experimental studies and prediction algorithms are not available or were not evaluated, and the functional significance of this variant is currently unknown. In summary, the available evidence is currently insufficient to determine the role of this variant in disease. Therefore, it has been classified as a Variant of Uncertain Significance.

NM_001042681.2(RERE):c.12CAAAGA[2] (p.4DK[2])

Gene: RERE (arginine-glutamic acid dipeptide repeats; minus strand). Cytogenetic location: 1p36.23.
Variant type: Microsatellite.
Coding change: c.12CAAAGA[2] on transcript NM_001042681.2 (MANE Select); two copies in a row of the 6-base unit CAAAGA starting at c.12; the reference has four copies in a row; two copies, 12 bases deleted.
Protein change: p.4DK[2].
Molecular consequence: inframe deletion.
Genome position (GRCh38, 1-based): chr1:8,656,263-8,656,274, TCTTTGTCTTTG deleted on the plus strand (CAAAGACAAAGA on the coding strand, the reverse complement: RERE is on the minus strand); deleting any 12 consecutive bases within chr1:8,656,263-8,656,288 gives the same sequence; the position shown is the placement nearest the transcript's 3' end. VCF-style (leftmost placement, unchanged base first): chr1-8656262-CTCTTTGTCTTTG-C. GRCh37 (hg19) VCF-style: chr1-8716321-CTCTTTGTCTTTG-C.
Other names: c.12CAAAGA[2], p.4DK[2] (NM_012102.4).
Identifiers: ClinVar variation 2173818 (VCV002173818.4), dbSNP rs3831914, ClinGen allele CA572179.
Genomic context (GRCh38, chr1:8,656,262, plus strand): 5'-ACTCTCTCTTGCTTTGTCTCTTTTCTCTCTCTCTCGGTCCCGGTCTCGGTCCCGGTCCTT[CTCTTTGTCTTTG>C]TCTTTGTCTTTGTCCGCTGTCATGATTCGCCACGTGCCTTCTTCTGTCCTCTCACGGCTA-3'